The following is an entry in ClinVar:

ClinVar aggregate classification (germline): Benign/Likely benign. Review status: criteria provided, multiple submitters, no conflicts (2 of 4 stars). 3 submissions from 3 submitters: Benign (1); Likely benign (2). Last evaluated 2025-04-08.

Conditions:
Hereditary cancer-predisposing syndrome. Also called: Tumor predisposition; Hereditary neoplastic syndrome; Neoplastic Syndromes, Hereditary; Hereditary Cancer Syndrome. Identifiers: Orphanet 140162, MedGen C0027672, MeSH D009386, MONDO:0015356.
Tuberous sclerosis 1 (TSC1). Identifiers: Orphanet 805, MedGen C1854465, MONDO:0008612, OMIM 191100.

Submissions (3):

Myriad Genetics, Inc.
Classification: Benign for Tuberous sclerosis 1. Last evaluated: 2025-04-08. Review status: criteria provided, single submitter. Criteria: Myriad Autosomal Dominant, Autosomal Recessive and X-Linked Classification Criteria (2023). Collection method: clinical testing. Allele origin: unknown.
Comment: This variant is considered benign. This variant is a silent/synonymous amino acid change and it is not expected to impact splicing.

Ambry Genetics
Classification: Likely benign for Hereditary cancer-predisposing syndrome. Last evaluated: 2025-02-08. Review status: criteria provided, single submitter. Criteria: Ambry Variant Classification Scheme 2023. Collection method: clinical testing. Allele origin: germline.

Labcorp Genetics (formerly Invitae), Labcorp
Classification: Likely benign for Tuberous sclerosis 1. Last evaluated: 2021-10-16. Review status: criteria provided, single submitter. Criteria: Invitae Variant Classification Sherloc (09022015). Collection method: clinical testing. Allele origin: germline.

NM_000368.5(TSC1):c.675G>A (p.Glu225=)

Gene: TSC1 (TSC complex subunit 1; minus strand). Cytogenetic location: 9q34.13.
Variant type: single nucleotide variant.
Coding change: c.675G>A on transcript NM_000368.5 (MANE Select); coding-DNA position 675, G replaced by A.
Protein change: p.Glu225=; no amino-acid change (glutamic acid 225 retained).
Molecular consequence: synonymous variant.
Genome position (GRCh38, 1-based): chr9:132,921,425, C>T on the plus strand (G>A on the coding strand, the complement: TSC1 is on the minus strand). VCF-style: chr9-132921425-C-T. GRCh37 (hg19) VCF-style: chr9-135796812-C-T.
Other names: c.675G>A (NM_000368.4); c.675G>A, p.Glu225= (NM_001162426.2); c.522G>A, p.Glu174= (NM_001162427.2); c.312G>A, p.Glu104= (NM_001362177.2).
Identifiers: ClinVar variation 1637888 (VCV001637888.10), dbSNP rs1846548662, ClinGen allele CA467593758.